The following is an entry in ClinVar:

NM_000492.4(CFTR):c.1116+6G>A

Gene: CFTR (CF transmembrane conductance regulator; plus strand). Cytogenetic location: 7q31.2.
Variant type: single nucleotide variant.
Coding change: c.1116+6G>A on transcript NM_000492.4 (MANE Select); 6 bases into the intron after coding-DNA position 1116, G replaced by A.
Molecular consequence: intron variant.
Genome position (GRCh38, 1-based): chr7:117,540,352, G>A. VCF-style: chr7-117540352-G-A. GRCh37 (hg19) VCF-style: chr7-117180406-G-A.
Other names: c.1116+6G>A (NM_000492.3).
Identifiers: ClinVar variation 1914819 (VCV001914819.4), dbSNP rs762964768, ClinGen allele CA4450892.

ClinVar aggregate classification (germline): Uncertain significance. Review status: criteria provided, multiple submitters, no conflicts (2 of 4 stars). 2 submissions from 2 submitters: Uncertain significance (2). Last evaluated 2024-11-05.

Conditions:
Cystic fibrosis (CF). Also called: MUCOVISCIDOSIS. Identifiers: Orphanet 586, MedGen C0010674, MONDO:0009061, OMIM 219700. Disease mechanism: loss of function.

Allele frequency attached by ClinVar (database versions not stated): ExAC 0.00001; gnomAD exomes 0.00001.
gnomAD v4.1: 13 of 1,611,388 alleles (0.00081%); highest among the groups gnomAD compares: Non-Finnish European, 0.0011%; no homozygotes.

Submissions (2):

Women's Health and Genetics/Laboratory Corporation of America, LabCorp
Classification: Uncertain significance. Last evaluated: 2024-11-05. Review status: criteria provided, single submitter. Criteria: LabCorp Variant Classification Summary - May 2015. Collection method: clinical testing. Allele origin: germline.

Labcorp Genetics (formerly Invitae), Labcorp
Classification: Uncertain significance for Cystic fibrosis. Last evaluated: 2022-09-01. Review status: criteria provided, single submitter. Criteria: Invitae Variant Classification Sherloc (09022015). Collection method: clinical testing. Allele origin: germline.
Comment: This sequence change falls in intron 8 of the CFTR gene. It does not directly change the encoded amino acid sequence of the CFTR protein. It affects a nucleotide within the consensus splice site. This variant is present in population databases (rs762964768, gnomAD 0.0009%). This variant has not been reported in the literature in individuals affected with CFTR-related conditions. Variants that disrupt the consensus splice site are a relatively common cause of aberrant splicing (PMID: 17576681, 9536098). Algorithms developed to predict the effect of sequence changes on RNA splicing suggest that this variant is not likely to affect RNA splicing. In summary, the available evidence is currently insufficient to determine the role of this variant in disease. Therefore, it has been classified as a Variant of Uncertain Significance.

Literature cited by the submitters: PubMed 17576681 (cited by Labcorp Genetics (formerly Invitae), Labcorp); PubMed 9536098 (cited by Labcorp Genetics (formerly Invitae), Labcorp).